The following is an entry in ClinVar:

NM_138694.4(PKHD1):c.6047G>T (p.Ser2016Ile)

Gene: PKHD1 (PKHD1 ciliary IPT domain containing fibrocystin/polyductin; minus strand). Cytogenetic location: 6p12.2.
Variant type: single nucleotide variant.
Coding change: c.6047G>T on transcript NM_138694.4 (MANE Select); coding-DNA position 6047, G replaced by T.
Protein change: p.Ser2016Ile; replaces serine 2016 with isoleucine.
Molecular consequence: missense variant.
Genome position (GRCh38, 1-based): chr6:51,934,184, C>A on the plus strand (G>T on the coding strand, the complement: PKHD1 is on the minus strand). VCF-style: chr6-51934184-C-A. GRCh37 (hg19) VCF-style: chr6-51798982-C-A.
Other names: c.6047G>T (NM_138694.3); c.6047G>T, p.Ser2016Ile (NM_170724.3); short protein forms S2016I.
Identifiers: ClinVar variation 3689298 (VCV003689298.3).
Genomic context (GRCh38, chr6:51,934,184, plus strand): 5'-GTTCCATTCCTCACAGCCAGGAACTTGACTCCATAGGGAAAGAAGGGAGTTGAGTAGGAA[C>A]TCCCGTAGAGTGTGATCTGAGCTCTGCCTTGGAAGGGCTTGTCTTCGGATCCAATCCGGA-3'
Protein context (NP_619639.3, residues 2006-2026): QGRAQITLYG[Ser2016Ile]SYSTPFFPYG

ClinVar aggregate classification (germline): Uncertain significance. Review status: criteria provided, multiple submitters, no conflicts (2 of 4 stars). 2 submissions from 2 submitters: Uncertain significance (2). Last evaluated 2026-03-10.

Conditions:
Autosomal recessive polycystic kidney disease (ARPKD). Also called: AR polycystic kidney disease. Identifiers: Orphanet 731, Orphanet 8378, MedGen C0085548, MeSH D017044, MONDO:0009889.

gnomAD v4.1: 1 of 1,614,060 alleles (0.000062%); highest among the groups gnomAD compares: Admixed American, 0.0017%; no homozygotes.

Submissions (2):

GeneDx
Classification: Uncertain significance. Last evaluated: 2026-03-10. Review status: criteria provided, single submitter. Criteria: GeneDx Variant Classification Process June 2021. Collection method: clinical testing. Allele origin: germline.
Comment: Not observed at significant frequency in large population cohorts (gnomAD); In silico analysis supports that this missense variant has a deleterious effect on protein structure/function; Has not been previously published as pathogenic or benign to our knowledge

Labcorp Genetics (formerly Invitae), Labcorp
Classification: Uncertain significance for Autosomal recessive polycystic kidney disease. Last evaluated: 2024-03-16. Review status: criteria provided, single submitter. Criteria: Invitae Variant Classification Sherloc (09022015). Collection method: clinical testing. Allele origin: germline.
Comment: This sequence change replaces serine, which is neutral and polar, with isoleucine, which is neutral and non-polar, at codon 2016 of the PKHD1 protein (p.Ser2016Ile). This variant is present in population databases (rs760537531, gnomAD 0.003%). This variant has not been reported in the literature in individuals affected with PKHD1-related conditions. Advanced modeling of protein sequence and biophysical properties (such as structural, functional, and spatial information, amino acid conservation, physicochemical variation, residue mobility, and thermodynamic stability) performed at Invitae indicates that this missense variant is expected to disrupt PKHD1 protein function with a positive predictive value of 80%. This variant disrupts the p.Ser2016 amino acid residue in PKHD1. Other variant(s) that disrupt this residue have been determined to be pathogenic (PMID: 15698423; Invitae). This suggests that this residue is clinically significant, and that variants that disrupt this residue are likely to be disease-causing. In summary, the available evidence is currently insufficient to determine the role of this variant in disease. Therefore, it has been classified as a Variant of Uncertain Significance.

Literature cited by the submitters: PubMed 15698423 (cited by Labcorp Genetics (formerly Invitae), Labcorp).